The following is an entry in ClinVar:

NM_001253697.2(ERBIN):c.1373C>T (p.Ala458Val)

Gene: ERBIN (erbb2 interacting protein; plus strand). Cytogenetic location: 5q12.3.
Variant type: single nucleotide variant.
Coding change: c.1373C>T on transcript NM_001253697.2 (MANE Select); coding-DNA position 1373, C replaced by T.
Protein change: p.Ala458Val; replaces alanine 458 with valine.
Molecular consequence: missense variant.
Genome position (GRCh38, 1-based): chr5:66,043,143, C>T. VCF-style: chr5-66043143-C-T. GRCh37 (hg19) VCF-style: chr5-65338971-C-T.
Other names: c.1373C>T, p.Ala458Val (NM_001006600.3, NM_001253698.2, NM_001253699.2 and 2 more transcripts); short protein forms A458V.
Identifiers: ClinVar variation 2200803 (VCV002200803.4), dbSNP rs199863503, ClinGen allele CA3286243.
Genomic context (GRCh38, chr5:66,043,143, plus strand): 5'-TTATATCAGATAATGAAAGTTTTAACCCTTCATTGTGGGAGGAACAGAGGAAACAGCGGG[C>T]TCAAGTTGCATTTGAATGTGATGAAGACAAAGATGAAAGGGAGGCACCTCCCAGGGTGAG-3'
Protein context (NP_001240626.1, residues 448-468): SLWEEQRKQR[Ala458Val]QVAFECDEDK

ClinVar aggregate classification (germline): Uncertain significance (1 of 4 stars; one submission).

Allele frequency attached by ClinVar (database versions not stated): ExAC 0.00003; gnomAD exomes 0.00004; gnomAD 0.00006; TOPMed 0.00007; ESP Exome Variant Server 0.00008.
gnomAD v4.1: 69 of 1,613,024 alleles (0.0043%); highest among the groups gnomAD compares: African/African-American, 0.0013%; no homozygotes.

Submission:

Labcorp Genetics (formerly Invitae), Labcorp
Classification: Uncertain significance. Last evaluated: 2026-01-04. Review status: criteria provided, single submitter. Criteria: Invitae Variant Classification Sherloc (09022015). Collection method: clinical testing. Allele origin: germline.
Comment: This sequence change replaces alanine, which is neutral and non-polar, with valine, which is neutral and non-polar, at codon 458 of the ERBIN protein (p.Ala458Val). This variant is present in population databases (rs199863503, gnomAD 0.1%), and has an allele count higher than expected for a pathogenic variant. This variant has not been reported in the literature in individuals affected with ERBIN-related conditions. ClinVar contains an entry for this variant (Variation ID: 2200803). An algorithm developed to predict the effect of missense changes on protein structure and function (PolyPhen-2) suggests that this variant is likely to be disruptive. In summary, the available evidence is currently insufficient to determine the role of this variant in disease. Therefore, it has been classified as a Variant of Uncertain Significance.